The following is an entry in ClinVar:

NM_138413.4(HOGA1):c.10_11insTGGTC (p.Pro4fs)

Gene: HOGA1 (4-hydroxy-2-oxoglutarate aldolase 1; plus strand). Cytogenetic location: 10q24.2.
Variant type: Insertion.
Coding change: c.10_11insTGGTC on transcript NM_138413.4 (MANE Select); coding-DNA positions 10 to 11, TGGTC inserted.
Protein change: p.Pro4fs; shifts the reading frame from proline 4.
Molecular consequence: frameshift variant.
Genome position: GRCh38 VCF-style: chr10-97584709-G-GGGTCT. GRCh37 (hg19) VCF-style: chr10-99344466-G-GGGTCT.
Other names: c.10_11insTGGTC, p.Pro4fs (NM_001134670.2); c.10_11insTGGTC (NM_138413.3); short protein forms P4fs.
Identifiers: ClinVar variation 593936 (VCV000593936.19), dbSNP rs924232072, ClinGen allele CA212658624.
Genomic context (GRCh38, chr10:97,584,709, plus strand): 5'-AAACTAAGTCTCACTCTGGGACATAGACCAATTGTGCTTCAGGCCTCCTGCAGAGATGCT[G>GGGTCT]GGTCCCCAAGTCTGGTCTTCTGTGAGGCAGGGGCTAAGCAGGAGCTTGTCCAGGAATGTG-3'

ClinVar aggregate classification (germline): Pathogenic/Likely pathogenic. Review status: criteria provided, multiple submitters, no conflicts (2 of 4 stars). 6 submissions from 6 submitters: Pathogenic (2); Likely pathogenic (3). 1 of the submissions does not count toward it. Last evaluated 2025-06-13.

Conditions:
Primary hyperoxaluria type 3. Also called: PH III. Identifiers: Orphanet 416, Orphanet 93600, MedGen C3150878, MONDO:0013327, OMIM 613616. Disease mechanism: loss of function.

Submissions (6):

Natera, Inc.
Classification: Pathogenic for Primary hyperoxaluria type III. Last evaluated: 2025-06-13. Review status: criteria provided, single submitter. Criteria: Natera Variant Classification Schema (03/2026). Collection method: clinical testing. Allele origin: germline.
Comment: The c.10_11insTGGTC variant in HOGA1 is a frameshift variant predicted to shift the reading frame beginning at codon 4 and leads to a stop codon 9 codons downstream. This variant is expected to result in nonsense mediated decay, truncation, or a dysfunctional protein product. This variant is rare in the general population with a frequency below the threshold expected for the associated phenotype(s). This variant has been observed in one or more individuals affected with the associated recessive disease, as either homozygous or compound heterozygous with a second variant (PMID: 33865885). Given the available evidence, this variant is classified as Pathogenic.

Fulgent Genetics
Classification: Likely pathogenic for Primary hyperoxaluria type 3. Last evaluated: 2024-05-04. Review status: criteria provided, single submitter. Criteria: ACMG Guidelines, 2015. Collection method: clinical testing. Allele origin: germline.

Labcorp Genetics (formerly Invitae), Labcorp
Classification: Pathogenic. Last evaluated: 2023-02-24. Review status: criteria provided, single submitter. Criteria: Invitae Variant Classification Sherloc (09022015). Collection method: clinical testing. Allele origin: germline.
Comment: This sequence change creates a premature translational stop signal (p.Pro4Leufs*9) in the HOGA1 gene. It is expected to result in an absent or disrupted protein product. Loss-of-function variants in HOGA1 are known to be pathogenic (PMID: 22391140, 22781098). This variant is present in population databases (no rsID available, gnomAD 0.0009%). This variant has not been reported in the literature in individuals affected with HOGA1-related conditions. ClinVar contains an entry for this variant (Variation ID: 593936). For these reasons, this variant has been classified as Pathogenic.

Revvity Omics, Revvity
Classification: Likely pathogenic. Last evaluated: 2021-09-14. Review status: criteria provided, single submitter. Criteria: ACMG Guidelines, 2015. Collection method: clinical testing. Allele origin: germline.

Eurofins Ntd Llc (ga)
Classification: Likely pathogenic. Last evaluated: 2017-08-31. Review status: criteria provided, single submitter. Criteria: EGL Classification Definitions 2015. Collection method: clinical testing. Allele origin: germline. Observed: 1 variant allele, 1 heterozygote.

Counsyl
Classification: Likely pathogenic for Primary hyperoxaluria type 3. Last evaluated: 2018-03-14. Review status: no assertion criteria provided. Collection method: clinical testing. Allele origin: unknown. Not counted in ClinVar's aggregate classification.

Literature cited by the submitters: PubMed 33865885 (cited by Natera, Inc.); PubMed 22391140 (cited by Labcorp Genetics (formerly Invitae), Labcorp); PubMed 22781098 (cited by Labcorp Genetics (formerly Invitae), Labcorp).